The following is an entry in ClinVar:

ClinVar aggregate classification (germline): Likely benign. Review status: criteria provided, multiple submitters, no conflicts (2 of 4 stars). 2 submissions from 2 submitters: Likely benign (2). Last evaluated 2025-03-06.

Conditions:
Carnitine acylcarnitine translocase deficiency (CACTD). Identifiers: Orphanet 159, MedGen C0342791, MONDO:0008918, OMIM 212138.

Allele frequency attached by ClinVar (database versions not stated): gnomAD exomes below 0.00001; gnomAD 0.00003 and 0.00004; TOPMed 0.00008.
gnomAD v4.1: 9 of 1,610,986 alleles (0.00056%); highest among the groups gnomAD compares: Admixed American, 0.0084%; no homozygotes.

Submissions (2):

Labcorp Genetics (formerly Invitae), Labcorp
Classification: Likely benign for Carnitine acylcarnitine translocase deficiency. Last evaluated: 2025-03-06. Review status: criteria provided, single submitter. Criteria: Invitae Variant Classification Sherloc (09022015). Collection method: clinical testing. Allele origin: germline.

GeneDx
Classification: Likely benign. Last evaluated: 2016-05-09. Review status: criteria provided, single submitter. Criteria: GeneDx Variant Classification (06012015). Collection method: clinical testing. Allele origin: germline. Affected: yes.
Comment: This variant is considered likely benign or benign based on one or more of the following criteria: it is a conservative change, it occurs at a poorly conserved position in the protein, it is predicted to be benign by multiple in silico algorithms, and/or has population frequency not consistent with disease.

NM_000387.6(SLC25A20):c.844-19C>T

Gene: SLC25A20 (solute carrier family 25 member 20; minus strand). Cytogenetic location: 3p21.31.
Variant type: single nucleotide variant.
Coding change: c.844-19C>T on transcript NM_000387.6 (MANE Select); 19 bases into the intron before coding-DNA position 844, C replaced by T.
Molecular consequence: intron variant.
Genome position (GRCh38, 1-based): chr3:48,857,791, G>A on the plus strand (C>T on the coding strand, the complement: SLC25A20 is on the minus strand). VCF-style: chr3-48857791-G-A. GRCh37 (hg19) VCF-style: chr3-48895224-G-A.
Identifiers: ClinVar variation 385409 (VCV000385409.8), dbSNP rs1057522215, ClinGen allele CA16604609.